The following is an entry in ClinVar:

ClinVar aggregate classification (germline): Uncertain significance (1 of 4 stars; one submission).

Allele frequency attached by ClinVar (database versions not stated): ExAC 0.00001; gnomAD exomes 0.00001.
gnomAD v4.1: 3 of 1,614,148 alleles (0.00019%); highest among the groups gnomAD compares: South Asian, 0.0033%; no homozygotes.

Submission:

Labcorp Genetics (formerly Invitae), Labcorp
Classification: Uncertain significance. Last evaluated: 2021-12-19. Review status: criteria provided, single submitter. Criteria: Invitae Variant Classification Sherloc (09022015). Collection method: clinical testing. Allele origin: germline.
Comment: This variant is present in population databases (rs758824248, gnomAD 0.006%). This sequence change replaces isoleucine, which is neutral and non-polar, with phenylalanine, which is neutral and non-polar, at codon 118 of the PHYH protein (p.Ile118Phe). This variant has not been reported in the literature in individuals affected with PHYH-related conditions. In summary, the available evidence is currently insufficient to determine the role of this variant in disease. Therefore, it has been classified as a Variant of Uncertain Significance. Algorithms developed to predict the effect of missense changes on protein structure and function are either unavailable or do not agree on the potential impact of this missense change (SIFT: "Deleterious"; PolyPhen-2: "Benign"; Align-GVGD: "Class C0").

NM_006214.4(PHYH):c.352A>T (p.Ile118Phe)

Gene: PHYH (phytanoyl-CoA 2-hydroxylase; minus strand). Cytogenetic location: 10p13.
Variant type: single nucleotide variant.
Coding change: c.352A>T on transcript NM_006214.4 (MANE Select); coding-DNA position 352, A replaced by T.
Protein change: p.Ile118Phe; replaces isoleucine 118 with phenylalanine.
Molecular consequence: missense variant.
Genome position (GRCh38, 1-based): chr10:13,294,490, T>A on the plus strand (A>T on the coding strand, the complement: PHYH is on the minus strand). VCF-style: chr10-13294490-T-A. GRCh37 (hg19) VCF-style: chr10-13336490-T-A.
Other names: c.52A>T, p.Ile18Phe (NM_001037537.2, NM_001323080.2, NM_001323084.2); c.352A>T, p.Ile118Phe (NM_001323082.2, NM_001323083.2); short protein forms I18F, I118F.
Identifiers: ClinVar variation 2048790 (VCV002048790.4), dbSNP rs758824248, ClinGen allele CA5412405.